The following is an entry in ClinVar:

NM_001360.3(DHCR7):c.1210del (p.Arg404fs)

Gene: DHCR7 (7-dehydrocholesterol reductase; minus strand). Cytogenetic location: 11q13.4.
Variant type: Deletion.
Coding change: c.1210del on transcript NM_001360.3 (MANE Select); coding-DNA position 1210, one base deleted (C; older notation c.1210delC).
Protein change: p.Arg404fs; shifts the reading frame from arginine 404.
Molecular consequence: frameshift variant.
Genome position (GRCh38, 1-based): chr11:71,435,593, G deleted on the plus strand (C on the coding strand, the reverse complement: DHCR7 is on the minus strand); the first of 3 consecutive G bases (chr11:71,435,593-71,435,595); deleting any one gives the same sequence. VCF-style (leftmost placement, unchanged base first): chr11-71435592-CG-C. GRCh37 (hg19) VCF-style: chr11-71146638-CG-C.
Other names: c.1210del, p.Arg404fs (NM_001163817.2); c.1259delC, p.Arg421Alafs (NM_001425107.1); c.1244delC, p.Arg416Alafs (NM_001425108.1); c.1208delC, p.Arg404Alafs (NM_001425109.1, NM_001425110.1, NM_001425111.1); c.1342delC, p.Ala449Profs (NM_001425112.1); c.1148delC, p.Arg384Alafs (NM_001425113.1); c.1112delC, p.Arg372Alafs (NM_001425114.1); c.1246delC, p.Ala417Profs (NM_001425116.1); and 2 more; short protein forms R404fs.
Identifiers: ClinVar variation 2752700 (VCV002752700.3), dbSNP rs2539208842, ClinGen allele CA2697548787.
Genomic context (GRCh38, chr11:71,435,592, plus strand): 5'-CCGCCACAGGCCAGGCAGTAGGCCAGGCTGCCCATCAGGTCGCCGACGTAGTTGAAGTGG[CG>C]GGCCACGCCCCAGAAGCCCGACACCAGCAGCTTGCTGTGGTGCCTCTGCCCATCGGCGGA-3'

ClinVar aggregate classification (germline): Pathogenic (1 of 4 stars; one submission).

Conditions:
Smith-Lemli-Opitz syndrome (SLOS). Also called: LETHAL ACRODYSGENITAL SYNDROME; POLYDACTYLY, SEX REVERSAL, RENAL HYPOPLASIA, AND UNILOBAR LUNG; RSH SYNDROME; RUTLEDGE LETHAL MULTIPLE CONGENITAL ANOMALY SYNDROME; 7-Dehydrocholesterol reductase deficiency. Identifiers: Orphanet 818, MedGen C0175694, MONDO:0010035, OMIM 270400.

Submission:

Labcorp Genetics (formerly Invitae), Labcorp
Classification: Pathogenic for Smith-Lemli-Opitz syndrome. Last evaluated: 2023-08-16. Review status: criteria provided, single submitter. Criteria: Invitae Variant Classification Sherloc (09022015). Collection method: clinical testing. Allele origin: germline.
Comment: This sequence change creates a premature translational stop signal (p.Arg404Alafs*9) in the DHCR7 gene. While this is not anticipated to result in nonsense mediated decay, it is expected to disrupt the last 72 amino acid(s) of the DHCR7 protein. This variant is not present in population databases (gnomAD no frequency). This variant has not been reported in the literature in individuals affected with DHCR7-related conditions. This variant disrupts a region of the DHCR7 protein in which other variant(s) (p.Phe475Ser) have been determined to be pathogenic (PMID: 15776424). This suggests that this is a clinically significant region of the protein, and that variants that disrupt it are likely to be disease-causing. For these reasons, this variant has been classified as Pathogenic.

Literature cited by the submitters: PubMed 15776424.